The following is an entry in ClinVar:

NM_000484.4(APP):c.355+6C>T

Gene: APP (amyloid beta precursor protein; minus strand). Cytogenetic location: 21q21.3.
Variant type: single nucleotide variant.
Coding change: c.355+6C>T on transcript NM_000484.4 (MANE Select); 6 bases into the intron after coding-DNA position 355, C replaced by T.
Molecular consequence: intron variant.
Genome position (GRCh38, 1-based): chr21:26,089,937, G>A on the plus strand (C>T on the coding strand, the complement: APP is on the minus strand). VCF-style: chr21-26089937-G-A. GRCh37 (hg19) VCF-style: chr21-27462253-G-A.
Other names: c.250+6C>T (NM_001136131.3); c.187+6C>T (NM_001136129.3, NM_001136130.3); c.355+6C>T (NM_001204303.2, NM_201414.3, NM_001385253.1 and 3 more transcripts); c.340+6C>T (NM_001136016.3).
Identifiers: ClinVar variation 524208 (VCV000524208.9), dbSNP rs1555873548, ClinGen allele CA658799405.
Genomic context (GRCh38, chr21:26,089,937, plus strand): 5'-ATCCTCTTTTTCTTCCCTCAAGACCAGGCCCCCAATCAACACCAGCCCCACGGCCGGCCG[G>A]CTCACCTAAGCAGCGGTAGGGAATCACAAAGTGGGGATGGGTCTTGCACTGCTTGCGGCC-3'

ClinVar aggregate classification (germline): Uncertain significance (1 of 4 stars; one submission).

Conditions:
Alzheimer disease. Also called: Presenile and senile dementia; Alzheimer's disease. Identifiers: Orphanet 1020, MedGen C0002395, MeSH D000544, MONDO:0004975, HP:0002511.

Submission:

Labcorp Genetics (formerly Invitae), Labcorp
Classification: Uncertain significance for Alzheimer disease. Last evaluated: 2017-12-06. Review status: criteria provided, single submitter. Criteria: Invitae Variant Classification Sherloc (09022015). Collection method: clinical testing. Allele origin: germline.
Comment: Nucleotide substitutions within the consensus splice site are a relatively common cause of aberrant splicing (PMID: 17576681, 9536098). Algorithms developed to predict the effect of sequence changes on RNA splicing suggest that this variant is not likely to affect RNA splicing, but this prediction has not been confirmed by published transcriptional studies. In summary, the available evidence is currently insufficient to determine the role of this variant in disease. Therefore, it has been classified as a Variant of Uncertain Significance. This variant has not been reported in the literature in individuals with APP-related disease. This variant is not present in population databases (ExAC no frequency). This sequence change falls in intron 3 of the APP gene. It does not directly change the encoded amino acid sequence of the APP protein, but it affects a nucleotide within the consensus splice site of the intron.

Literature cited by the submitters: PubMed 17576681; PubMed 9536098.